The following is an entry in ClinVar:

NM_001486.4(GCKR):c.1508A>G (p.Asn503Ser)

Gene: GCKR (glucokinase regulator; plus strand). Cytogenetic location: 2p23.3.
Variant type: single nucleotide variant.
Coding change: c.1508A>G on transcript NM_001486.4 (MANE Select); coding-DNA position 1508, A replaced by G.
Protein change: p.Asn503Ser; replaces asparagine 503 with serine.
Molecular consequence: missense variant.
Genome position (GRCh38, 1-based): chr2:27,518,873, A>G. VCF-style: chr2-27518873-A-G. GRCh37 (hg19) VCF-style: chr2-27741740-A-G.
Other names: c.1508A>G (NM_001486.3); short protein forms N503S.
Identifiers: ClinVar variation 2920168 (VCV002920168.4), dbSNP rs200412367, ClinGen allele CA1582004.

ClinVar aggregate classification (germline): Uncertain significance. Review status: criteria provided, multiple submitters, no conflicts (2 of 4 stars). 2 submissions from 2 submitters: Uncertain significance (2). Last evaluated 2026-01-19.

Allele frequency attached by ClinVar (database versions not stated): gnomAD 0.00010; gnomAD exomes 0.00020; ExAC 0.00004; TOPMed 0.00012; ESP Exome Variant Server 0.00031.
gnomAD v4.1: 300 of 1,577,880 alleles (0.019%); highest among the groups gnomAD compares: Non-Finnish European, 0.025%; no homozygotes.

Submissions (2):

Labcorp Genetics (formerly Invitae), Labcorp
Classification: Uncertain significance. Last evaluated: 2026-01-19. Review status: criteria provided, single submitter. Criteria: Invitae Variant Classification Sherloc (09022015). Collection method: clinical testing. Allele origin: germline.
Comment: This sequence change replaces asparagine, which is neutral and polar, with serine, which is neutral and polar, at codon 503 of the GCKR protein (p.Asn503Ser). This variant is present in population databases (rs200412367, gnomAD 0.009%). This missense change has been observed in individual(s) with dyslipidemia (PMID: 32041611, 36325899). ClinVar contains an entry for this variant (Variation ID: 2920168). Invitae Evidence Modeling of protein sequence and biophysical properties (such as structural, functional, and spatial information, amino acid conservation, physicochemical variation, residue mobility, and thermodynamic stability) indicates that this missense variant is expected to disrupt GCKR protein function with a positive predictive value of 80%. In summary, the available evidence is currently insufficient to determine the role of this variant in disease. Therefore, it has been classified as a Variant of Uncertain Significance.

GeneDx
Classification: Uncertain significance. Last evaluated: 2023-11-13. Review status: criteria provided, single submitter. Criteria: GeneDx Variant Classification Process June 2021. Collection method: clinical testing. Allele origin: germline. Affected: yes.
Comment: Observed in an individual with dyslipidemia (PMID: 32041611); In silico analysis supports that this missense variant has a deleterious effect on protein structure/function; This variant is associated with the following publications: (PMID: 32041611)

Literature cited by the submitters: PubMed 32041611 (cited by Labcorp Genetics (formerly Invitae), Labcorp); PubMed 36325899 (cited by Labcorp Genetics (formerly Invitae), Labcorp).